The following is an entry in ClinVar:

ClinVar aggregate classification (germline): Uncertain significance. Review status: criteria provided, multiple submitters, no conflicts (2 of 4 stars). 2 submissions from 2 submitters: Uncertain significance (2). Last evaluated 2025-10-07.

Conditions:
Inborn genetic diseases. Identifiers: MedGen C0950123, MeSH D030342.

Allele frequency attached by ClinVar (database versions not stated): gnomAD exomes 0.00001 and 0.00003; TOPMed 0.00001.
gnomAD v4.1: 45 of 1,614,228 alleles (0.0028%); highest among the groups gnomAD compares: Middle Eastern, 0.016%; no homozygotes.

Submissions (2):

Ambry Genetics
Classification: Uncertain significance for Inborn genetic diseases. Last evaluated: 2025-10-07. Review status: criteria provided, single submitter. Criteria: Ambry Variant Classification Scheme 2023. Collection method: clinical testing. Allele origin: germline.

Labcorp Genetics (formerly Invitae), Labcorp
Classification: Uncertain significance. Last evaluated: 2021-08-19. Review status: criteria provided, single submitter. Criteria: Invitae Variant Classification Sherloc (09022015). Collection method: clinical testing. Allele origin: germline.
Comment: This sequence change replaces glutamic acid with glutamine at codon 1375 of the MCM3AP protein (p.Glu1375Gln). The glutamic acid residue is weakly conserved and there is a small physicochemical difference between glutamic acid and glutamine. This variant is not present in population databases (ExAC no frequency). This variant has not been reported in the literature in individuals affected with MCM3AP-related conditions. Algorithms developed to predict the effect of missense changes on protein structure and function (SIFT, PolyPhen-2, Align-GVGD) all suggest that this variant is likely to be tolerated. In summary, the available evidence is currently insufficient to determine the role of this variant in disease. Therefore, it has been classified as a Variant of Uncertain Significance.

NM_003906.5(MCM3AP):c.4123G>C (p.Glu1375Gln)

Genes: MCM3AP (minichromosome maintenance complex component 3 associated protein; minus strand), LOC130066871 (ATAC-STARR-seq lymphoblastoid active region 18599; plus strand). Cytogenetic location: 21q22.3.
Variant type: single nucleotide variant.
Coding change: c.4123G>C on transcript NM_003906.5 (MANE Select); coding-DNA position 4123, G replaced by C.
Protein change: p.Glu1375Gln; replaces glutamic acid 1375 with glutamine.
Molecular consequence: missense variant.
Genome position (GRCh38, 1-based): chr21:46,254,405, C>G on the plus strand (G>C on the coding strand, the complement: MCM3AP is on the minus strand). VCF-style: chr21-46254405-C-G. GRCh37 (hg19) VCF-style: chr21-47674319-C-G.
Other names: c.4123G>C (NM_003906.3); short protein forms E1375Q.
Identifiers: ClinVar variation 1494852 (VCV001494852.5), dbSNP rs917853669, ClinGen allele CA321980882.